The following is an entry in ClinVar:

NM_032444.4(SLX4):c.1925-95G>A

Gene: SLX4 (SLX4 structure-specific endonuclease subunit; minus strand). Cytogenetic location: 16p13.3.
Variant type: single nucleotide variant.
Coding change: c.1925-95G>A on transcript NM_032444.4 (MANE Select); 95 bases into the intron before coding-DNA position 1925, G replaced by A.
Molecular consequence: intron variant.
Genome position (GRCh38, 1-based): chr16:3,595,788, C>T on the plus strand (G>A on the coding strand, the complement: SLX4 is on the minus strand). VCF-style: chr16-3595788-C-T. GRCh37 (hg19) VCF-style: chr16-3645789-C-T.
Identifiers: ClinVar variation 929627 (VCV000929627.1), dbSNP rs180740748, ClinGen allele CA276962089.

ClinVar aggregate classification (germline): Likely benign (0 of 4 stars; one submission).

Allele frequency attached by ClinVar (database versions not stated): 1000 Genomes Project 30x 0.00031; 1000 Genomes Project 0.00040; gnomAD 0.00292 and 0.00309; TOPMed 0.00300; gnomAD exomes 0.00628.
gnomAD v4.1: 8,181 of 1,412,260 alleles (0.58%); highest among the groups gnomAD compares: Non-Finnish European, 0.77%; 45 homozygotes.

Submission:

Leiden Open Variation Database
Classification: Likely benign. Last evaluated: 2012-08-31. Review status: no assertion criteria provided. Collection method: curation. Allele origin: germline. Affected: yes.
Comment: Curator: Arleen D. Auerbach. Submitter to LOVD: Janine Bakker.

Literature cited by the submitters: PubMed 22911665.